The following is an entry in ClinVar:

NM_015352.2(POFUT1):c.1036C>G (p.Gln346Glu)

Gene: POFUT1 (protein O-fucosyltransferase 1; plus strand). Cytogenetic location: 20q11.21.
Variant type: single nucleotide variant.
Coding change: c.1036C>G on transcript NM_015352.2 (MANE Select); coding-DNA position 1036, C replaced by G.
Protein change: p.Gln346Glu; replaces glutamine 346 with glutamic acid.
Molecular consequence: missense variant.
Genome position (GRCh38, 1-based): chr20:32,234,530, C>G. VCF-style: chr20-32234530-C-G. GRCh37 (hg19) VCF-style: chr20-30822333-C-G.
Other names: c.1036C>G (NM_015352.1); short protein forms Q346E.
Identifiers: ClinVar variation 1492767 (VCV001492767.9), dbSNP rs376777378, ClinGen allele CA9807463.

ClinVar aggregate classification (germline): Uncertain significance. Review status: criteria provided, multiple submitters, no conflicts (2 of 4 stars). 2 submissions from 2 submitters: Uncertain significance (2). Last evaluated 2025-11-24.

Conditions:
Inborn genetic diseases. Identifiers: MedGen C0950123, MeSH D030342.
Dowling-Degos disease 2 (DDD2). Identifiers: Orphanet 79145, MedGen C3809147, MONDO:0014130, OMIM 615327.

Allele frequency attached by ClinVar (database versions not stated): ExAC 0.00002; gnomAD exomes 0.00002; ESP Exome Variant Server 0.00008.
gnomAD v4.1: 119 of 1,613,976 alleles (0.0074%); highest among the groups gnomAD compares: Non-Finnish European, 0.0094%; no homozygotes.

Submissions (2):

Labcorp Genetics (formerly Invitae), Labcorp
Classification: Uncertain significance for Dowling-Degos disease 2. Last evaluated: 2025-11-24. Review status: criteria provided, single submitter. Criteria: Invitae Variant Classification Sherloc (09022015). Collection method: clinical testing. Allele origin: germline.
Comment: This sequence change replaces glutamine, which is neutral and polar, with glutamic acid, which is acidic and polar, at codon 346 of the POFUT1 protein (p.Gln346Glu). This variant is present in population databases (rs376777378, gnomAD 0.004%). This variant has not been reported in the literature in individuals affected with POFUT1-related conditions. ClinVar contains an entry for this variant (Variation ID: 1492767). An algorithm developed to predict the effect of missense changes on protein structure and function (PolyPhen-2) suggests that this variant is likely to be tolerated. In summary, the available evidence is currently insufficient to determine the role of this variant in disease. Therefore, it has been classified as a Variant of Uncertain Significance.

Ambry Genetics
Classification: Uncertain significance for Inborn genetic diseases. Last evaluated: 2025-11-12. Review status: criteria provided, single submitter. Criteria: Ambry Variant Classification Scheme 2023. Collection method: clinical testing. Allele origin: germline.